The following is an entry in ClinVar:

ClinVar aggregate classification (germline): Uncertain significance. Review status: criteria provided, multiple submitters, no conflicts (2 of 4 stars). 2 submissions from 2 submitters: Uncertain significance (2). Last evaluated 2024-07-09.

Conditions:
Inborn genetic diseases. Identifiers: MedGen C0950123, MeSH D030342.
Sterile multifocal osteomyelitis with periostitis and pustulosis. Also called: CHRONIC RECURRENT MULTIFOCAL OSTEOMYELITIS 2, WITH PERIOSTITIS AND PUSTULOSIS. Identifiers: Orphanet 210115, MedGen C2748507, MONDO:0013021, OMIM 612852.

Allele frequency attached by ClinVar (database versions not stated): TOPMed below 0.00001; gnomAD 0.00001; gnomAD exomes 0.00001 and 0.00002; ExAC 0.00002; ESP Exome Variant Server 0.00008.
gnomAD v4.1: 21 of 1,605,890 alleles (0.0013%); highest among the groups gnomAD compares: Non-Finnish European, 0.0018%; no homozygotes.

Submissions (2):

Ambry Genetics
Classification: Uncertain significance for Inborn genetic diseases. Last evaluated: 2024-07-09. Review status: criteria provided, single submitter. Criteria: Ambry Variant Classification Scheme 2023. Collection method: clinical testing. Allele origin: germline.

Labcorp Genetics (formerly Invitae), Labcorp
Classification: Uncertain significance for Sterile multifocal osteomyelitis with periostitis and pustulosis. Last evaluated: 2019-08-20. Review status: criteria provided, single submitter. Criteria: Invitae Variant Classification Sherloc (09022015). Collection method: clinical testing. Allele origin: germline.
Comment: Algorithms developed to predict the effect of missense changes on protein structure and function output the following: SIFT: "Tolerated"; PolyPhen-2: "Benign"; Align-GVGD: "Class C0". The threonine amino acid residue is found in multiple mammalian species, suggesting that this missense change does not adversely affect protein function. These predictions have not been confirmed by published functional studies and their clinical significance is uncertain. This variant has not been reported in the literature in individuals with IL1RN-related conditions. This variant is present in population databases (rs371848779, ExAC 0.003%). This sequence change replaces arginine with threonine at codon 105 of the IL1RN protein (p.Arg105Thr). The arginine residue is weakly conserved and there is a moderate physicochemical difference between arginine and threonine. In summary, the available evidence is currently insufficient to determine the role of this variant in disease. Therefore, it has been classified as a Variant of Uncertain Significance.

NM_173842.3(IL1RN):c.305G>C (p.Arg102Thr)

Gene: IL1RN (interleukin 1 receptor antagonist; plus strand). Cytogenetic location: 2q14.1.
Variant type: single nucleotide variant.
Coding change: c.305G>C on transcript NM_173842.3 (MANE Select); coding-DNA position 305, G replaced by C.
Protein change: p.Arg102Thr; replaces arginine 102 with threonine.
Molecular consequence: missense variant.
Genome position (GRCh38, 1-based): chr2:113,131,144, G>C. VCF-style: chr2-113131144-G-C. GRCh37 (hg19) VCF-style: chr2-113888721-G-C.
Other names: c.251G>C, p.Arg84Thr (NM_000577.5); c.203G>C, p.Arg68Thr (NM_001318914.2, NM_001379360.1, NM_173843.3); c.314G>C, p.Arg105Thr (NM_173841.3); short protein forms R102T, R84T, R105T, R68T.
Identifiers: ClinVar variation 964446 (VCV000964446.11), dbSNP rs371848779, ClinGen allele CA1838854.